The following is an entry in ClinVar:

ClinVar aggregate classification (germline): Benign. Review status: criteria provided, single submitter (1 of 4 stars). 2 submissions from 1 submitter: Benign (2). Last evaluated 2018-01-13.

Conditions:
Waardenburg syndrome type 2A (WS2A). Also called: WAARDENBURG SYNDROME WITHOUT DYSTOPIA CANTHORUM. Identifiers: Orphanet 3440, MedGen C1860339, MONDO:0008671, OMIM 193510.
Tietz syndrome (TADS). Also called: ALBINISM-DEAFNESS OF TIETZ; HYPOPIGMENTATION/DEAFNESS OF TIETZ; TIETZ ALBINISM-DEAFNESS SYNDROME. Identifiers: Orphanet 42665, MedGen C0391816, MONDO:0007077, OMIM 103500.

Allele frequency attached by ClinVar (database versions not stated): gnomAD 0.00071 and 0.00095; TOPMed 0.00080; gnomAD exomes 0.00115; 1000 Genomes Project 30x 0.00234; 1000 Genomes Project 0.00240.
gnomAD v4.1: 264 of 252,430 alleles (0.1%); highest among the groups gnomAD compares: South Asian, 0.68%; 3 homozygotes.

Submissions (2):

Illumina Laboratory Services, Illumina
Classification: Benign for Waardenburg syndrome type 2A. Last evaluated: 2018-01-13. Review status: criteria provided, single submitter. Criteria: ICSL Variant Classification Criteria 13 December 2019. Collection method: clinical testing. Allele origin: germline.
Comment: This variant was observed in the ICSL laboratory as part of a predisposition screen in an ostensibly healthy population. It had not been previously curated by ICSL or reported in the Human Gene Mutation Database (HGMD: prior to June 1st, 2018), and was therefore a candidate for classification through an automated scoring system. Utilizing variant allele frequency, disease prevalence and penetrance estimates, and inheritance mode, an automated score was calculated to assess if this variant is too frequent to cause the disease. Based on the score and internal cut-off values, a variant classified as benign is not then subjected to further curation. The score for this variant resulted in a classification of benign for this disease.

Illumina Laboratory Services, Illumina
Classification: Benign for Tietz syndrome. Last evaluated: 2018-01-13. Review status: criteria provided, single submitter. Criteria: ICSL Variant Classification Criteria 13 December 2019. Collection method: clinical testing. Allele origin: germline.
Comment: the same text as in the submission from Illumina Laboratory Services, Illumina above.

NM_001354604.2(MITF):c.*379T>C

Gene: MITF (melanocyte inducing transcription factor; plus strand). Cytogenetic location: 3p13.
Variant type: single nucleotide variant.
Coding change: c.*379T>C on transcript NM_001354604.2 (MANE Select); 379 bases downstream of the stop codon, T replaced by C.
Molecular consequence: 3 prime UTR variant.
Genome position (GRCh38, 1-based): chr3:69,965,627, T>C. VCF-style: chr3-69965627-T-C. GRCh37 (hg19) VCF-style: chr3-70014778-T-C.
Other names: c.*379T>C (NM_000248.4, NM_001184967.2, NM_001354605.2 and 8 more transcripts).
Identifiers: ClinVar variation 346509 (VCV000346509.5), dbSNP rs552044239, ClinGen allele CA10617342.